The following is an entry in ClinVar:

NM_001364905.1(LRBA):c.2156A>G (p.Asn719Ser)

Gene: LRBA (LPS responsive beige-like anchor protein; minus strand). Cytogenetic location: 4q31.3.
Variant type: single nucleotide variant.
Coding change: c.2156A>G on transcript NM_001364905.1 (MANE Select); coding-DNA position 2156, A replaced by G.
Protein change: p.Asn719Ser; replaces asparagine 719 with serine.
Molecular consequence: missense variant.
Genome position (GRCh38, 1-based): chr4:150,893,061, T>C on the plus strand (A>G on the coding strand, the complement: LRBA is on the minus strand). VCF-style: chr4-150893061-T-C. GRCh37 (hg19) VCF-style: chr4-151814213-T-C.
Other names: c.2156A>G, p.Asn719Ser (NM_001199282.3, NM_001367550.1, NM_006726.5); short protein forms N719S.
Identifiers: ClinVar variation 1487353 (VCV001487353.6), dbSNP rs1219424675, ClinGen allele CA358428821.
Genomic context (GRCh38, chr4:150,893,061, plus strand): 5'-TCAAATATTTCCAAACTAATCCCTTATATGAAATAGATTAAAAACTCTTACCGTAACCCA[T>C]TCCTTTGGTCAAAAGCAGGAATCATAGAGTTAGGGTGTTCTGACATTAATGCAACAAGCA-3'
Protein context (NP_001351834.1, residues 709-729): NSMIPAFDQR[Asn719Ser]GLRVIYKLLA

ClinVar aggregate classification (germline): Uncertain significance (1 of 4 stars; one submission).

Conditions:
Combined immunodeficiency due to LRBA deficiency. Also called: Common variable immunodeficiency 8, with autoimmunity. Identifiers: Orphanet 445018, MedGen C3553512, MONDO:0013863, OMIM 614700.

Allele frequency attached by ClinVar (database versions not stated): gnomAD 0.00001; TOPMed 0.00001.
gnomAD v4.1: 1 of 1,606,394 alleles (0.000062%); highest among the groups gnomAD compares: African/African-American, 0.0013%; no homozygotes.

Submission:

Labcorp Genetics (formerly Invitae), Labcorp
Classification: Uncertain significance for Combined immunodeficiency due to LRBA deficiency. Last evaluated: 2021-11-06. Review status: criteria provided, single submitter. Criteria: Invitae Variant Classification Sherloc (09022015). Collection method: clinical testing. Allele origin: germline.
Comment: This sequence change replaces asparagine, which is neutral and polar, with serine, which is neutral and polar, at codon 719 of the LRBA protein (p.Asn719Ser). This variant is present in population databases (no rsID available, gnomAD 0.01%). This variant has not been reported in the literature in individuals affected with LRBA-related conditions. Algorithms developed to predict the effect of missense changes on protein structure and function are either unavailable or do not agree on the potential impact of this missense change (SIFT: "Tolerated"; PolyPhen-2: "Probably Damaging"; Align-GVGD: "Class C0"). In summary, the available evidence is currently insufficient to determine the role of this variant in disease. Therefore, it has been classified as a Variant of Uncertain Significance.